The following is an entry in ClinVar:

NM_001042492.3(NF1):c.5812+8A>G

Gene: NF1 (neurofibromin 1; plus strand). Cytogenetic location: 17q11.2.
Variant type: single nucleotide variant.
Coding change: c.5812+8A>G on transcript NM_001042492.3 (MANE Select); 8 bases into the intron after coding-DNA position 5812, A replaced by G.
Molecular consequence: intron variant.
Genome position (GRCh38, 1-based): chr17:31,330,506, A>G. VCF-style: chr17-31330506-A-G. GRCh37 (hg19) VCF-style: chr17-29657524-A-G.
Other names: c.5812+8A>G (NM_001042492.2); c.5749+8A>G (NM_000267.4).
Identifiers: ClinVar variation 215720 (VCV000215720.18), dbSNP rs372075322, ClinGen allele CA337847.
Genomic context (GRCh38, chr17:31,330,506, plus strand): 5'-ACACCTCACGTTAGAATTTTTGGAAGAGTGTATTTCTGGATTTAGCAAATCTAGTAAGTA[A>G]TGATAATTTTCTTTAATACTAACAATTATTCTAAGAGAATTCAAAGAAAACCCTTTCATT-3'

ClinVar aggregate classification (germline): Benign/Likely benign. Review status: criteria provided, multiple submitters, no conflicts (2 of 4 stars). 8 submissions from 8 submitters: Benign (2); Likely benign (5). 1 of the submissions does not count toward it. Last evaluated 2026-05-13.

Conditions:
NF1-related disorder. Also called: NF1-related condition. Identifiers: MedGen CN379171.
Hereditary cancer-predisposing syndrome. Also called: Neoplastic Syndromes, Hereditary; Tumor predisposition; Hereditary Cancer Syndrome; Hereditary neoplastic syndrome. Identifiers: Orphanet 140162, MedGen C0027672, MeSH D009386, MONDO:0015356.
Neurofibromatosis, type 1 (NF1). Also called: VON RECKLINGHAUSEN DISEASE; NEUROFIBROMATOSIS, TYPE I, SOMATIC; Peripheral type neurofibromatosis; Neurofibromatosis, type I. Identifiers: Orphanet 636, MedGen C0027831, MONDO:0018975, OMIM 162200. Disease mechanism: loss of function.

Allele frequency attached by ClinVar (database versions not stated): ExAC 0.00001; TOPMed 0.00003; gnomAD 0.00004 and 0.00005; gnomAD exomes 0.00004 and 0.00006; ESP Exome Variant Server 0.00008.
gnomAD v4.1: 65 of 1,587,044 alleles (0.0041%); highest among the groups gnomAD compares: Non-Finnish European, 0.0011%; no homozygotes.

Submissions (8):

Myriad Genetics, Inc.
Classification: Likely benign for Neurofibromatosis, type 1. Last evaluated: 2026-05-13. Review status: criteria provided, single submitter. Criteria: Myriad Autosomal Dominant, Autosomal Recessive and X-Linked Classification Criteria (2023). Collection method: clinical testing. Allele origin: unknown.
Comment: This variant is considered likely benign. This variant is intronic and is not expected to impact mRNA splicing.

Labcorp Genetics (formerly Invitae), Labcorp
Classification: Benign for Neurofibromatosis, type 1. Last evaluated: 2026-01-16. Review status: criteria provided, single submitter. Criteria: Invitae Variant Classification Sherloc (09022015). Collection method: clinical testing. Allele origin: germline.

Blueprint Genetics
Classification: Likely benign. Last evaluated: 2024-11-08. Review status: criteria provided, single submitter. Criteria: ACMG Guidelines, 2015. Collection method: clinical testing. Allele origin: germline.

Institute for Biomarker Research, Medical Diagnostic Laboratories, L.L.C.
Classification: Likely benign for Hereditary cancer-predisposing syndrome. Last evaluated: 2023-02-22. Review status: criteria provided, single submitter. Criteria: ACMG Guidelines, 2015. Collection method: clinical testing. Allele origin: germline.

Genome-Nilou Lab
Classification: Benign for Neurofibromatosis, type 1. Last evaluated: 2022-03-15. Review status: criteria provided, single submitter. Criteria: ACMG Guidelines, 2015. Collection method: clinical testing. Allele origin: germline. Affected: no.

Genome Diagnostics Laboratory, The Hospital for Sick Children
Classification: Likely benign for Neurofibromatosis, type 1. Last evaluated: 2020-10-26. Review status: criteria provided, single submitter. Criteria: ACMG Guidelines, 2015. Collection method: clinical testing. Allele origin: germline. Affected: yes.

GeneDx
Classification: Likely benign. Last evaluated: 2017-11-30. Review status: criteria provided, single submitter. Criteria: GeneDx Variant Classification (06012015). Collection method: clinical testing. Allele origin: germline. Affected: yes.
Comment: This variant is considered likely benign or benign based on one or more of the following criteria: it is a conservative change, it occurs at a poorly conserved position in the protein, it is predicted to be benign by multiple in silico algorithms, and/or has population frequency not consistent with disease.

PreventionGenetics, part of Exact Sciences
Classification: Likely benign for NF1-related condition. Last evaluated: 2019-06-04. Review status: no assertion criteria provided. Collection method: clinical testing. Allele origin: germline. Not counted in ClinVar's aggregate classification.
Comment: This variant is classified as likely benign based on ACMG/AMP sequence variant interpretation guidelines (Richards et al. 2015 PMID: 25741868, with internal and published modifications).